The following is an entry in ClinVar:

ClinVar aggregate classification (germline): Pathogenic (1 of 4 stars; one submission).

Conditions:
Hereditary breast ovarian cancer syndrome. Also called: Hereditary breast and/or ovarian cancer syndrome; Hereditary breast and ovarian cancer syndrome; Hereditary breast and ovarian cancer; Hereditary breast and ovarian cancer syndrome (HBOC); Breast and ovarian cancer; BRCA1- and BRCA2-Associated Hereditary Breast and Ovarian Cancer. Identifiers: Orphanet 145, MedGen C0677776, MeSH D061325, MONDO:0003582. Disease mechanism: loss of function.

Submission:

Labcorp Genetics (formerly Invitae), Labcorp
Classification: Pathogenic for Hereditary breast ovarian cancer syndrome. Last evaluated: 2023-03-04. Review status: criteria provided, single submitter. Criteria: Invitae Variant Classification Sherloc (09022015). Collection method: clinical testing. Allele origin: germline.
Comment: For these reasons, this variant has been classified as Pathogenic. ClinVar contains an entry for this variant (Variation ID: 2097411). This variant has not been reported in the literature in individuals affected with BRCA2-related conditions. This variant is not present in population databases (gnomAD no frequency). This sequence change creates a premature translational stop signal (p.His179Thrfs*4) in the BRCA2 gene. It is expected to result in an absent or disrupted protein product. Loss-of-function variants in BRCA2 are known to be pathogenic (PMID: 20104584).

Literature cited by the submitters: PubMed 20104584.

NM_000059.4(BRCA2):c.534dup (p.His179fs)

Gene: BRCA2 (BRCA2 DNA repair associated; plus strand). Cytogenetic location: 13q13.1.
Variant type: Duplication.
Coding change: c.534dup on transcript NM_000059.4 (MANE Select); coding-DNA position 534, one base duplicated (A; older notation c.534dupA).
Protein change: p.His179fs; shifts the reading frame from histidine 179.
Molecular consequence: frameshift variant.
Genome position (GRCh38, 1-based): chr13:32,326,516, A duplicated; the last of 4 consecutive A bases (chr13:32,326,513-32,326,516); duplicating any one gives the same sequence. VCF-style (leftmost placement, unchanged base first): chr13-32326512-C-CA. GRCh37 (hg19) VCF-style: chr13-32900649-C-CA.
Other names: c.534dup, p.His179Thrfs (NM_001406719.1, NM_001406720.1, NM_001406721.1); c.165dup, p.His56Thrfs (NM_001406722.1); short protein forms H179fs.
Identifiers: ClinVar variation 2097411 (VCV002097411.4), dbSNP rs1191198388, ClinGen allele CA2580087027.